The following is an entry in ClinVar:

ClinVar aggregate classification (germline): Pathogenic (1 of 4 stars; one submission).

Submission:

CeGaT Center for Human Genetics Tuebingen
Classification: Pathogenic. Last evaluated: 2026-03-01. Review status: criteria provided, single submitter. Criteria: CeGaT Center For Human Genetics Tuebingen Variant Classification Criteria Version 2. Collection method: clinical testing. Allele origin: germline. Affected: yes. Observed: 1 variant allele.
Comment: PEX6: PVS1, PM2

NM_000287.4(PEX6):c.75del (p.Gly27fs)

Gene: PEX6 (peroxisomal biogenesis factor 6; minus strand). Cytogenetic location: 6p21.1.
Variant type: Deletion.
Coding change: c.75del on transcript NM_000287.4 (MANE Select); coding-DNA position 75, one base deleted (C; older notation c.75delC).
Protein change: p.Gly27fs; shifts the reading frame from glycine 27.
Molecular consequence: frameshift variant. On other transcripts: non-coding transcript variant (1).
Genome position (GRCh38, 1-based): chr6:42,979,076, G deleted on the plus strand (C on the coding strand, the reverse complement: PEX6 is on the minus strand); the first of 3 consecutive G bases (chr6:42,979,076-42,979,078); deleting any one gives the same sequence. VCF-style (leftmost placement, unchanged base first): chr6-42979075-CG-C. GRCh37 (hg19) VCF-style: chr6-42946813-CG-C.
Other names: c.75del, p.Gly27fs (NM_001316313.2); short protein forms G27fs.
Identifiers: ClinVar variation 4823714 (VCV004823714.4).
Genomic context (GRCh38, chr6:42,979,075, plus strand): 5'-TCTCCCCTGCAGGCCTCAGGGCCAGCACCAGGCCCAGCTCCGCCGCCGGCCACGGGCCCC[CG>C]GGTGGCAGCAGCACTGCCAACGGGGGTGTCTCGGTCGGAAAGGGCTCCAGGACCCGCAAG-3'